The following is an entry in ClinVar:

ClinVar aggregate classification (germline): Pathogenic/Likely pathogenic. Review status: criteria provided, multiple submitters, no conflicts (2 of 4 stars). 3 submissions from 3 submitters: Pathogenic (1); Likely pathogenic (2). Last evaluated 2024-04-20.

Conditions:
Familial hemophagocytic lymphohistiocytosis 5. Also called: STXBP2-Related Familial Hemophagocytic Lymphohistiocytosis (STXBP2-fHLH). Identifiers: Orphanet 540, MedGen C2751293, MONDO:0013135, OMIM 613101.

Submissions (3):

Fulgent Genetics
Classification: Likely pathogenic for Familial hemophagocytic lymphohistiocytosis 5. Last evaluated: 2024-04-20. Review status: criteria provided, single submitter. Criteria: ACMG Guidelines, 2015. Collection method: clinical testing. Allele origin: germline.

Labcorp Genetics (formerly Invitae), Labcorp
Classification: Likely pathogenic for Familial hemophagocytic lymphohistiocytosis 5. Last evaluated: 2023-06-30. Review status: criteria provided, single submitter. Criteria: Invitae Variant Classification Sherloc (09022015). Collection method: clinical testing. Allele origin: germline.
Comment: In summary, the currently available evidence indicates that the variant is pathogenic, but additional data are needed to prove that conclusively. Therefore, this variant has been classified as Likely Pathogenic. Algorithms developed to predict the effect of sequence changes on RNA splicing suggest that this variant may disrupt the consensus splice site. ClinVar contains an entry for this variant (Variation ID: 451232). This variant has not been reported in the literature in individuals affected with STXBP2-related conditions. This variant is not present in population databases (gnomAD no frequency). This sequence change affects a donor splice site in intron 3 of the STXBP2 gene. It is expected to disrupt RNA splicing. Variants that disrupt the donor or acceptor splice site typically lead to a loss of protein function (PMID: 16199547), and loss-of-function variants in STXBP2 are known to be pathogenic (PMID: 19804848, 22451424).

GeneDx
Classification: Pathogenic. Last evaluated: 2017-08-08. Review status: criteria provided, single submitter. Criteria: GeneDx Variant Classification (06012015). Collection method: clinical testing. Allele origin: germline. Affected: yes.
Comment: The c.169+2T>G variant in the STXBP2 gene has not been reported previously as a pathogenic variant nor as a benign variant, to our knowledge. This splice site variant destroys the canonical splice donor site in intron 3. It is predicted to cause abnormal gene splicing, either leading to an abnormal message that is subject to nonsense-mediated mRNA decay, or to an abnormal protein product if the message is used for protein translation. The c.169+2T>G variant is not observed in large population cohorts (Lek et al., 2016; 1000 Genomes Consortium et al., 2015; Exome Variant Server). We interpret c.169+2T>G as a pathogenic variant.

Literature cited by the submitters: PubMed 16199547 (cited by Labcorp Genetics (formerly Invitae), Labcorp); PubMed 19804848 (cited by Labcorp Genetics (formerly Invitae), Labcorp); PubMed 22451424 (cited by Labcorp Genetics (formerly Invitae), Labcorp).

NM_006949.4(STXBP2):c.169+2T>G

Gene: STXBP2 (syntaxin binding protein 2; plus strand). Cytogenetic location: 19p13.2.
Variant type: single nucleotide variant.
Coding change: c.169+2T>G on transcript NM_006949.4 (MANE Select); the canonical splice donor site of the intron after coding-DNA position 169, T replaced by G.
Molecular consequence: splice donor variant.
Genome position (GRCh38, 1-based): chr19:7,639,102, T>G. VCF-style: chr19-7639102-T-G. GRCh37 (hg19) VCF-style: chr19-7703988-T-G.
Other names: c.73+2T>G (NM_001414484.1); c.169+2T>G (NM_001272034.2, NM_001127396.3).
Identifiers: ClinVar variation 451232 (VCV000451232.8), dbSNP rs1555768979, ClinGen allele CA403155472.